The following is an entry in ClinVar:

NC_000023.10:g.(?_32481536)_(32509655_?)dup

Gene: DMD (dystrophin; minus strand). Cytogenetic location: Xp21.1.
Variant type: Duplication.
Identifiers: ClinVar variation 1074565 (VCV001074565.8).

ClinVar aggregate classification (germline): Pathogenic (1 of 4 stars; one submission).

Conditions:
Duchenne muscular dystrophy (DMD). Also called: MUSCULAR DYSTROPHY, PSEUDOHYPERTROPHIC PROGRESSIVE, DUCHENNE TYPE; Duchenne Muscular Dystrophy (DMD). Identifiers: Orphanet 98896, MedGen C0013264, MONDO:0010679, OMIM 310200.

Submission:

Labcorp Genetics (formerly Invitae), Labcorp
Classification: Pathogenic for Duchenne muscular dystrophy. Last evaluated: 2016-11-28. Review status: criteria provided, single submitter. Criteria: Invitae Variant Classification Sherloc (09022015). Collection method: clinical testing. Allele origin: germline.
Comment: For these reasons, this variant has been classified as Pathogenic. While this particular variant has not been reported in the literature, duplications are known to cause Duchenne muscular dystrophy or Becker muscular dystrophy (PMID: 12111668). This variant is a gross duplication of the genomic region encompassing exons 20-25 of the DMD gene. While the exact position of the duplicated exons cannot be determined from this data, the duplicated copy of this region is likely in tandem and may result in an absent or disrupted protein product.

Literature cited by the submitters: PubMed 12111668.